The following is an entry in ClinVar:

ClinVar aggregate classification (germline): Uncertain significance. Review status: criteria provided, multiple submitters, no conflicts (2 of 4 stars). 2 submissions from 2 submitters: Uncertain significance (2). Last evaluated 2024-11-18.

Conditions:
Hereditary pancreatitis (PCTT). Also called: Hereditary chronic pancreatitis; PRSS1-Related Hereditary Pancreatitis. Identifiers: Orphanet 676, MedGen C0238339, MONDO:0008185, OMIM 167800.

gnomAD v4.1: 6 of 1,613,990 alleles (0.00037%); highest among the groups gnomAD compares: Non-Finnish European, 0.00051%; no homozygotes.

Submissions (2):

Ambry Genetics
Classification: Uncertain significance for Hereditary pancreatitis. Last evaluated: 2024-11-18. Review status: criteria provided, single submitter. Criteria: Ambry Variant Classification Scheme 2023. Collection method: clinical testing. Allele origin: germline.
Comment: The p.D260Y variant (also known as c.778G>T), located in coding exon 7 of the CTRC gene, results from a G to T substitution at nucleotide position 778. The aspartic acid at codon 260 is replaced by tyrosine, an amino acid with highly dissimilar properties. This amino acid position is conserved. In addition, this alteration is predicted to be deleterious by in silico analysis. Since supporting evidence is limited at this time, the clinical significance of this alteration remains unclear.

Labcorp Genetics (formerly Invitae), Labcorp
Classification: Uncertain significance for Hereditary pancreatitis. Last evaluated: 2021-09-10. Review status: criteria provided, single submitter. Criteria: Invitae Variant Classification Sherloc (09022015). Collection method: clinical testing. Allele origin: germline.
Comment: In summary, the available evidence is currently insufficient to determine the role of this variant in disease. Therefore, it has been classified as a Variant of Uncertain Significance. This sequence change replaces aspartic acid with tyrosine at codon 260 of the CTRC protein (p.Asp260Tyr). The aspartic acid residue is moderately conserved and there is a large physicochemical difference between aspartic acid and tyrosine. This variant is not present in population databases (ExAC no frequency). This variant has not been reported in the literature in individuals affected with CTRC-related conditions. Advanced modeling of protein sequence and biophysical properties (such as structural, functional, and spatial information, amino acid conservation, physicochemical variation, residue mobility, and thermodynamic stability) performed at Invitae indicates that this missense variant is expected to disrupt CTRC protein function.

NM_007272.3(CTRC):c.778G>T (p.Asp260Tyr)

Gene: CTRC (chymotrypsin C; plus strand). Cytogenetic location: 1p36.21.
Variant type: single nucleotide variant.
Coding change: c.778G>T on transcript NM_007272.3 (MANE Select); coding-DNA position 778, G replaced by T.
Protein change: p.Asp260Tyr; replaces aspartic acid 260 with tyrosine.
Molecular consequence: missense variant.
Genome position (GRCh38, 1-based): chr1:15,445,735, G>T. VCF-style: chr1-15445735-G-T. GRCh37 (hg19) VCF-style: chr1-15772230-G-T.
Other names: short protein forms D260Y.
Identifiers: ClinVar variation 1441303 (VCV001441303.9), dbSNP rs540753875, ClinGen allele CA338568016.